The following is an entry in ClinVar:

NM_000264.5(PTCH1):c.430del (p.Arg144fs)

Gene: PTCH1 (patched 1; minus strand). Cytogenetic location: 9q22.32.
Variant type: Deletion.
Coding change: c.430del on transcript NM_000264.5 (MANE Select); coding-DNA position 430, one base deleted (C; older notation c.430delC).
Protein change: p.Arg144fs; shifts the reading frame from arginine 144.
Molecular consequence: frameshift variant. On other transcripts: 5 prime UTR variant (4), non-coding transcript variant (1).
Genome position (GRCh38, 1-based): chr9:95,485,839, G deleted on the plus strand (C on the coding strand, the reverse complement: PTCH1 is on the minus strand). VCF-style (leftmost placement, unchanged base first): chr9-95485838-CG-C. GRCh37 (hg19) VCF-style: chr9-98248120-CG-C.
Other names: c.232del, p.Arg78fs (NM_001083602.3, NM_001354919.2); c.427del, p.Arg143fs (NM_001083603.3); c.-24del (NM_001083604.3, NM_001083605.3, NM_001083606.3 and 1 more transcripts); c.430del, p.Arg144fs (NM_001354918.2); short protein forms R143fs, R78fs, R144fs.
Identifiers: ClinVar variation 2025061 (VCV002025061.4), dbSNP rs2538269645, ClinGen allele CA2580081057.

ClinVar aggregate classification (germline): Pathogenic (1 of 4 stars; one submission).

Conditions:
Gorlin syndrome. Also called: Nevoid Basal Cell Carcinoma Syndrome; Basal cell nevus syndrome. Identifiers: Orphanet 377, MedGen C0004779, MONDO:0007187.

Submission:

Labcorp Genetics (formerly Invitae), Labcorp
Classification: Pathogenic for Gorlin syndrome. Last evaluated: 2022-09-13. Review status: criteria provided, single submitter. Criteria: Invitae Variant Classification Sherloc (09022015). Collection method: clinical testing. Allele origin: germline.
Comment: For these reasons, this variant has been classified as Pathogenic. This variant has not been reported in the literature in individuals affected with PTCH1-related conditions. This variant is not present in population databases (gnomAD no frequency). This sequence change creates a premature translational stop signal (p.Arg144Alafs*15) in the PTCH1 gene. It is expected to result in an absent or disrupted protein product. Loss-of-function variants in PTCH1 are known to be pathogenic (PMID: 16301862, 16419085).

Literature cited by the submitters: PubMed 16301862; PubMed 16419085.